The following is an entry in ClinVar:

ClinVar aggregate classification (germline): Uncertain significance (1 of 4 stars; one submission).

Conditions:
Renal carnitine transport defect (CDSP). Also called: Systemic primary carnitine deficiency disease; Primary carnitine deficiency; Carnitine transporter deficiency; Carnitine Deficiency, Systemic; CARNITINE DEFICIENCY, SYSTEMIC, DUE TO DEFECT IN RENAL REABSORPTION OF CARNITINE; CARNITINE TRANSPORTER, PLASMA-MEMBRANE, DEFICIENCY OF. Identifiers: Orphanet 158, MedGen C0342788, MONDO:0008919, OMIM 212140.

Allele frequency attached by ClinVar (database versions not stated): TOPMed below 0.00001.
gnomAD v4.1: 3 of 1,607,814 alleles (0.00019%); highest among the groups gnomAD compares: Non-Finnish European, 0.00025%; no homozygotes.

Submission:

Labcorp Genetics (formerly Invitae), Labcorp
Classification: Uncertain significance for Renal carnitine transport defect. Last evaluated: 2024-05-07. Review status: criteria provided, single submitter. Criteria: Invitae Variant Classification Sherloc (09022015). Collection method: clinical testing. Allele origin: germline.
Comment: This sequence change replaces arginine, which is basic and polar, with glycine, which is neutral and non-polar, at codon 63 of the SLC22A5 protein (p.Arg63Gly). This variant is not present in population databases (gnomAD no frequency). This variant has not been reported in the literature in individuals affected with SLC22A5-related conditions. ClinVar contains an entry for this variant (Variation ID: 958653). Advanced modeling of protein sequence and biophysical properties (such as structural, functional, and spatial information, amino acid conservation, physicochemical variation, residue mobility, and thermodynamic stability) performed at Invitae indicates that this missense variant is expected to disrupt SLC22A5 protein function with a positive predictive value of 95%. In summary, the available evidence is currently insufficient to determine the role of this variant in disease. Therefore, it has been classified as a Variant of Uncertain Significance.

NM_003060.4(SLC22A5):c.187C>G (p.Arg63Gly)

Gene: SLC22A5 (solute carrier family 22 member 5; plus strand). Cytogenetic location: 5q31.1.
Variant type: single nucleotide variant.
Coding change: c.187C>G on transcript NM_003060.4 (MANE Select); coding-DNA position 187, C replaced by G.
Protein change: p.Arg63Gly; replaces arginine 63 with glycine.
Molecular consequence: missense variant.
Genome position (GRCh38, 1-based): chr5:132,370,159, C>G. VCF-style: chr5-132370159-C-G. GRCh37 (hg19) VCF-style: chr5-131705851-C-G.
Other names: c.187C>G, p.Arg63Gly (NM_001308122.2); short protein forms R63G.
Identifiers: ClinVar variation 958653 (VCV000958653.9), dbSNP rs1297367229, ClinGen allele CA360802554.